The following is an entry in ClinVar:

ClinVar aggregate classification (germline): Likely benign (1 of 4 stars; one submission).

Allele frequency attached by ClinVar (database versions not stated): ESP Exome Variant Server 0.00028; gnomAD exomes 0.00035; ExAC 0.00040; gnomAD 0.00056; TOPMed 0.00088; 1000 Genomes Project 0.00238; 1000 Genomes Project 30x 0.00291.
gnomAD v4.1: 442 of 1,205,514 alleles (0.037%); highest among the groups gnomAD compares: Admixed American, 0.13%; no homozygotes.

Submission:

CeGaT Center for Human Genetics Tuebingen
Classification: Likely benign. Last evaluated: 2023-02-01. Review status: criteria provided, single submitter. Criteria: CeGaT Center For Human Genetics Tuebingen Variant Classification Criteria Version 2. Collection method: clinical testing. Allele origin: germline. Affected: yes. Observed: 1 variant allele.
Comment: REPS2: BP4, BP7, BS2

NM_004726.3(REPS2):c.1233T>C (p.Ala411=)

Gene: REPS2 (RALBP1 associated Eps domain containing 2; plus strand). Cytogenetic location: Xp22.2.
Variant type: single nucleotide variant.
Coding change: c.1233T>C on transcript NM_004726.3 (MANE Select); coding-DNA position 1233, T replaced by C.
Protein change: p.Ala411=; no amino-acid change (alanine 411 retained).
Molecular consequence: synonymous variant.
Genome position (GRCh38, 1-based): chrX:17,068,425, T>C. VCF-style: chrX-17068425-T-C. GRCh37 (hg19) VCF-style: chrX-17086548-T-C.
Other names: c.1230T>C, p.Ala410= (NM_001080975.2).
Identifiers: ClinVar variation 2660076 (VCV002660076.24), dbSNP rs181282465, ClinGen allele CA10358223.